The following is an entry in ClinVar:

NM_006947.4(SRP72):c.974A>C (p.Lys325Thr)

Gene: SRP72 (signal recognition particle 72; plus strand). Cytogenetic location: 4q12.
Variant type: single nucleotide variant.
Coding change: c.974A>C on transcript NM_006947.4 (MANE Select); coding-DNA position 974, A replaced by C.
Protein change: p.Lys325Thr; replaces lysine 325 with threonine.
Molecular consequence: missense variant. On other transcripts: non-coding transcript variant (1).
Genome position (GRCh38, 1-based): chr4:56,484,752, A>C. VCF-style: chr4-56484752-A-C. GRCh37 (hg19) VCF-style: chr4-57350918-A-C.
Other names: c.791A>C, p.Lys264Thr (NM_001267722.2); short protein forms K325T, K264T.
Identifiers: ClinVar variation 4174912 (VCV004174912.1).

ClinVar aggregate classification (germline): Uncertain significance (1 of 4 stars; one submission).

gnomAD v4.1: 1 of 1,614,114 alleles (0.000062%); highest among the groups gnomAD compares: Non-Finnish European, 0.000085%; no homozygotes.

Submission:

Ambry Genetics
Classification: Uncertain significance. Last evaluated: 2025-06-28. Review status: criteria provided, single submitter. Criteria: Ambry Variant Classification Scheme 2023. Collection method: clinical testing. Allele origin: germline.
Comment: The p.K325T variant (also known as c.974A>C), located in coding exon 10 of the SRP72 gene, results from an A to C substitution at nucleotide position 974. The lysine at codon 325 is replaced by threonine, an amino acid with similar properties. This amino acid position is conserved. In addition, the in silico prediction for this alteration is inconclusive. Based on the available evidence, the clinical significance of this variant remains unclear.